The following is an entry in ClinVar:

NM_018668.5(VPS33B):c.1014C>T (p.His338=)

Gene: VPS33B (VPS33B late endosome and lysosome associated; minus strand). Cytogenetic location: 15q26.1.
Variant type: single nucleotide variant.
Coding change: c.1014C>T on transcript NM_018668.5 (MANE Select); coding-DNA position 1014, C replaced by T.
Protein change: p.His338=; no amino-acid change (histidine 338 retained).
Molecular consequence: synonymous variant.
Genome position (GRCh38, 1-based): chr15:91,005,710, G>A on the plus strand (C>T on the coding strand, the complement: VPS33B is on the minus strand). VCF-style: chr15-91005710-G-A. GRCh37 (hg19) VCF-style: chr15-91548940-G-A.
Other names: c.933C>T, p.His311= (NM_001289148.1); c.741C>T, p.His247= (NM_001289149.1); c.1014C>T (NM_018668.4).
Identifiers: ClinVar variation 498784 (VCV000498784.7), dbSNP rs765002211, ClinGen allele CA7744836.

ClinVar aggregate classification (germline): Uncertain significance. Review status: criteria provided, single submitter (1 of 4 stars). 2 submissions from 2 submitters: Uncertain significance (1). 1 of the submissions does not count toward it. Last evaluated 2016-12-07.

Conditions:
VPS33B-related disorder. Also called: VPS33B-related condition.

Allele frequency attached by ClinVar (database versions not stated): TOPMed below 0.00001; ExAC 0.00002; gnomAD exomes 0.00002 and 0.00003.
gnomAD v4.1: 43 of 1,614,102 alleles (0.0027%); highest among the groups gnomAD compares: Non-Finnish European, 0.0034%; no homozygotes.

Submissions (2):

Eurofins Ntd Llc (ga)
Classification: Uncertain significance. Last evaluated: 2016-12-07. Review status: criteria provided, single submitter. Criteria: EGL Classification Definitions 2015. Collection method: clinical testing. Allele origin: germline. Observed: 1 variant allele, 1 heterozygote.

PreventionGenetics, part of Exact Sciences
Classification: Likely benign for VPS33B-related condition. Last evaluated: 2021-07-27. Review status: no assertion criteria provided. Collection method: clinical testing. Allele origin: germline. Not counted in ClinVar's aggregate classification.
Comment: This variant is classified as likely benign based on ACMG/AMP sequence variant interpretation guidelines (Richards et al. 2015 PMID: 25741868, with internal and published modifications).